The following is an entry in ClinVar:

NM_001364905.1(LRBA):c.2836_2839del (p.Glu945_Glu946insTer)

Gene: LRBA (LPS responsive beige-like anchor protein; minus strand). Cytogenetic location: 4q31.3.
Variant type: Deletion.
Coding change: c.2836_2839del on transcript NM_001364905.1 (MANE Select); coding-DNA positions 2836 to 2839, 4 bases deleted (GAAA; older notation c.2836_2839delGAAA).
Protein change: p.Glu945_Glu946insTer.
Molecular consequence: nonsense. On other transcripts: frameshift variant (2).
Genome position (GRCh38, 1-based): chr4:150,852,871-150,852,874, TTTC deleted on the plus strand (GAAA on the coding strand, the reverse complement: LRBA is on the minus strand); deleting any 4 consecutive bases within chr4:150,852,871-150,852,876 gives the same sequence; the c. name uses the placement nearest the transcript's 3' end. VCF-style (leftmost placement, unchanged base first): chr4-150852870-ATTTC-A. GRCh37 (hg19) VCF-style: chr4-151774022-ATTTC-A.
Other names: p.Glu946*; c.2834_2837delAAGA, p.Glu946Terfs (NM_001199282.3, NM_006726.5); c.2836_2839del, p.Glu945_Glu946insTer (NM_001367550.1).
Identifiers: ClinVar variation 1458881 (VCV001458881.9), dbSNP rs777413769, ClinGen allele CA3103131.

ClinVar aggregate classification (germline): Pathogenic. Review status: criteria provided, multiple submitters, no conflicts (2 of 4 stars). 2 submissions from 2 submitters: Pathogenic (2). Last evaluated 2025-10-13.

Conditions:
Combined immunodeficiency due to LRBA deficiency. Also called: Common variable immunodeficiency 8, with autoimmunity. Identifiers: Orphanet 445018, MedGen C3553512, MONDO:0013863, OMIM 614700.

Submissions (2):

Labcorp Genetics (formerly Invitae), Labcorp
Classification: Pathogenic for Combined immunodeficiency due to LRBA deficiency. Last evaluated: 2025-10-13. Review status: criteria provided, single submitter. Criteria: Invitae Variant Classification Sherloc (09022015). Collection method: clinical testing. Allele origin: germline.
Comment: This sequence change creates a premature translational stop signal (p.Glu946*) in the LRBA gene. It is expected to result in an absent or disrupted protein product. Loss-of-function variants in LRBA are known to be pathogenic (PMID: 26206937, 26768763). This variant is present in population databases (rs777413769, gnomAD 0.002%). This premature translational stop signal has been observed in individual(s) with LRBA deficiency (PMID: 26768763, 28720148, 31432443). This variant is also known as c.2834_2837delTCTT. ClinVar contains an entry for this variant (Variation ID: 1458881). For these reasons, this variant has been classified as Pathogenic.

Mayo Clinic Laboratories, Mayo Clinic
Classification: Pathogenic. Last evaluated: 2025-03-20. Review status: criteria provided, single submitter. Criteria: ACMG Guidelines, 2015. Collection method: clinical testing. Allele origin: germline. Observed: 1 variant allele.
Comment: PM2_supporting, PM3_strong, PS4_moderate, PVS1

Literature cited by the submitters: PubMed 26206937 (cited by Labcorp Genetics (formerly Invitae), Labcorp); PubMed 26768763 (cited by Labcorp Genetics (formerly Invitae), Labcorp and Mayo Clinic Laboratories, Mayo Clinic); PubMed 28720148 (cited by Labcorp Genetics (formerly Invitae), Labcorp and Mayo Clinic Laboratories, Mayo Clinic); PubMed 31432443 (cited by Labcorp Genetics (formerly Invitae), Labcorp and Mayo Clinic Laboratories, Mayo Clinic); PubMed 32615565 (cited by Mayo Clinic Laboratories, Mayo Clinic); PubMed 34573280 (cited by Mayo Clinic Laboratories, Mayo Clinic); PubMed 34975878 (cited by Mayo Clinic Laboratories, Mayo Clinic); PubMed 36398453 (cited by Mayo Clinic Laboratories, Mayo Clinic); PubMed 36790564 (cited by Mayo Clinic Laboratories, Mayo Clinic).